The following is an entry in ClinVar:

GRCh38/hg38 21p11.2-q22.3(chr21:7749532-46653090)x3

Genes: LRRC3 (leucine rich repeat containing 3; plus strand), LRRC3-DT (LRRC3 divergent transcript; minus strand), LSS (lanosterol synthase; minus strand), LTN1 (listerin E3 ubiquitin protein ligase 1; minus strand), MAP3K7CL (MAP3K7 C-terminal like; plus strand) and 1156 more. Cytogenetic location: 21p11.2-q22.3.
Variant type: copy number gain.
Change: copy number 3 (three copies instead of two) of chr21:7,749,532-46,653,090 (38.90 Mb, GRCh38 coordinates, 1-based), cytogenetic band 21p11.2-q22.3.
Identifiers: ClinVar variation 59222 (VCV000059222.3).

ClinVar aggregate classification (germline): Pathogenic (1 of 4 stars; one submission).

Submission:

ISCA Site 6
Classification: Pathogenic. Last evaluated: 2011-08-12. Review status: criteria provided, single submitter. Criteria: Kaminsky et al. (Genet Med. 2011). Collection method: clinical testing. Allele origin: unknown. Affected: yes. Observed: 2 variant alleles.
Comment: Copy number variation identified through the course of routine clinical cytogenomic testing in postnatal populations. Clinical assertions have been curated as described in Kaminsky et al. 2011.